The following is an entry in ClinVar:

NM_014908.4(DOLK):c.88G>C (p.Val30Leu)

Gene: DOLK (dolichol kinase; minus strand). Cytogenetic location: 9q34.11.
Variant type: single nucleotide variant.
Coding change: c.88G>C on transcript NM_014908.4 (MANE Select); coding-DNA position 88, G replaced by C.
Protein change: p.Val30Leu; replaces valine 30 with leucine.
Molecular consequence: missense variant.
Genome position (GRCh38, 1-based): chr9:128,947,216, C>G on the plus strand (G>C on the coding strand, the complement: DOLK is on the minus strand). VCF-style: chr9-128947216-C-G. GRCh37 (hg19) VCF-style: chr9-131709495-C-G.
Other names: short protein forms V30L.
Identifiers: ClinVar variation 3504686 (VCV003504686.1).

ClinVar aggregate classification (germline): Uncertain significance (1 of 4 stars; one submission).

Conditions:
Cardiovascular phenotype. Identifiers: MedGen CN230736.

Submission:

Ambry Genetics
Classification: Uncertain significance for Cardiovascular phenotype. Last evaluated: 2024-07-07. Review status: criteria provided, single submitter. Criteria: Ambry Variant Classification Scheme 2023. Collection method: clinical testing. Allele origin: germline.
Comment: The p.V30L variant (also known as c.88G>C), located in coding exon 1 of the DOLK gene, results from a G to C substitution at nucleotide position 88. The valine at codon 30 is replaced by leucine, an amino acid with highly similar properties. This amino acid position is conserved. In addition, this alteration is predicted to be tolerated by in silico analysis. Based on the available evidence, the clinical significance of this variant remains unclear.